The following is an entry in ClinVar:

ClinVar aggregate classification (germline): Conflicting classifications of pathogenicity. Review status: criteria provided, conflicting classifications (1 of 4 stars). 3 submissions from 3 submitters: Uncertain significance (2); Benign (1). Last evaluated 2025-11-09.

Conditions:
Hereditary cancer-predisposing syndrome. Also called: Neoplastic Syndromes, Hereditary; Hereditary neoplastic syndrome; Hereditary Cancer Syndrome; Tumor predisposition. Identifiers: Orphanet 140162, MedGen C0027672, MeSH D009386, MONDO:0015356.
POLD1-related polyposis and colorectal cancer syndrome (CRCS10). Also called: Colorectal cancer, susceptibility to, 10; Colorectal cancer 10; COLORECTAL CANCER, SUSCEPTIBILITY TO, ON CHROMOSOME 19q. Identifiers: Orphanet 220460, MedGen C2675481, MONDO:0012953, OMIM 612591.

Allele frequency attached by ClinVar (database versions not stated): gnomAD 0.00001; gnomAD exomes 0.00001 and 0.00004; TOPMed 0.00001; ExAC 0.00008; 1000 Genomes Project 30x 0.00016.
gnomAD v4.1: 14 of 1,585,550 alleles (0.00088%); highest among the groups gnomAD compares: East Asian, 0.03%; no homozygotes.

Submissions (3):

Labcorp Genetics (formerly Invitae), Labcorp
Classification: Uncertain significance for POLD1-related polyposis and colorectal cancer syndrome. Last evaluated: 2025-11-09. Review status: criteria provided, single submitter. Criteria: Invitae Variant Classification Sherloc (09022015). Collection method: clinical testing. Allele origin: germline.
Comment: This sequence change replaces leucine, which is neutral and non-polar, with proline, which is neutral and non-polar, at codon 291 of the POLD1 protein (p.Leu291Pro). This variant is present in population databases (rs199999050, gnomAD 0.05%). This missense change has been observed in individual(s) with endometrial cancer (PMID: 26748215). ClinVar contains an entry for this variant (Variation ID: 408040). Invitae Evidence Modeling of protein sequence and biophysical properties (such as structural, functional, and spatial information, amino acid conservation, physicochemical variation, residue mobility, and thermodynamic stability) indicates that this missense variant is not expected to disrupt POLD1 protein function with a negative predictive value of 80%. In summary, the available evidence is currently insufficient to determine the role of this variant in disease. Therefore, it has been classified as a Variant of Uncertain Significance.

Ambry Genetics
Classification: Benign for Hereditary cancer-predisposing syndrome. Last evaluated: 2024-08-20. Review status: criteria provided, single submitter. Criteria: Ambry Variant Classification Scheme 2023. Collection method: clinical testing. Allele origin: germline.

GeneDx
Classification: Uncertain significance. Last evaluated: 2019-12-09. Review status: criteria provided, single submitter. Criteria: GeneDx Variant Classification Process June 2021. Collection method: clinical testing. Allele origin: germline. Affected: yes.
Comment: In silico analysis, which includes protein predictors and evolutionary conservation, supports that this variant does not alter protein structure/function; Observed in an individual with endometrial cancer (Wong 2016); This variant is associated with the following publications: (PMID: 26748215)

Literature cited by the submitters: PubMed 26748215 (cited by Labcorp Genetics (formerly Invitae), Labcorp).

NM_002691.4(POLD1):c.872T>C (p.Leu291Pro)

Gene: POLD1 (DNA polymerase delta 1, catalytic subunit; plus strand). Cytogenetic location: 19q13.33.
Variant type: single nucleotide variant.
Coding change: c.872T>C on transcript NM_002691.4 (MANE Select); coding-DNA position 872, T replaced by C.
Protein change: p.Leu291Pro; replaces leucine 291 with proline.
Molecular consequence: missense variant. On other transcripts: non-coding transcript variant (1).
Genome position (GRCh38, 1-based): chr19:50,402,643, T>C. VCF-style: chr19-50402643-T-C. GRCh37 (hg19) VCF-style: chr19-50905900-T-C.
Other names: c.872T>C, p.Leu291Pro (NM_001256849.1, NM_001308632.1); c.872T>C (NM_002691.2); short protein forms L291P.
Identifiers: ClinVar variation 408040 (VCV000408040.11), dbSNP rs199999050, ClinGen allele CA9595939.